The following is an entry in ClinVar:

ClinVar aggregate classification (germline): Uncertain significance (1 of 4 stars; one submission).

Conditions:
Inborn genetic diseases. Identifiers: MedGen C0950123, MeSH D030342.

Submission:

Ambry Genetics
Classification: Uncertain significance for Inborn genetic diseases. Last evaluated: 2026-03-23. Review status: criteria provided, single submitter. Criteria: Ambry Variant Classification Scheme 2023. Collection method: clinical testing. Allele origin: germline.
Comment: The p.Q326H variant (also known as c.978A>C), located in coding exon 1 of the SAMD9 gene, results from an A to C substitution at nucleotide position 978. The glutamine at codon 326 is replaced by histidine, an amino acid with highly similar properties. This amino acid position is conserved. In addition, this alteration is predicted to be tolerated by in silico analysis. Based on the available evidence, the clinical significance of this variant remains unclear.

NM_017654.4(SAMD9):c.978A>C (p.Gln326His)

Gene: SAMD9 (sterile alpha motif domain containing 9; minus strand). Cytogenetic location: 7q21.2.
Variant type: single nucleotide variant.
Coding change: c.978A>C on transcript NM_017654.4 (MANE Select); coding-DNA position 978, A replaced by C.
Protein change: p.Gln326His; replaces glutamine 326 with histidine.
Molecular consequence: missense variant.
Genome position (GRCh38, 1-based): chr7:93,105,120, T>G on the plus strand (A>C on the coding strand, the complement: SAMD9 is on the minus strand). VCF-style: chr7-93105120-T-G. GRCh37 (hg19) VCF-style: chr7-92734433-T-G.
Other names: c.978A>C, p.Gln326His (NM_001193307.2); short protein forms Q326H.
Identifiers: ClinVar variation 4863768 (VCV004863768.1).